The following is an entry in ClinVar:

NM_001204.7(BMPR2):c.2080A>G (p.Ser694Gly)

Gene: BMPR2 (bone morphogenetic protein receptor type 2; plus strand). Cytogenetic location: 2q33.2.
Variant type: single nucleotide variant.
Coding change: c.2080A>G on transcript NM_001204.7 (MANE Select); coding-DNA position 2080, A replaced by G.
Protein change: p.Ser694Gly; replaces serine 694 with glycine.
Molecular consequence: missense variant.
Genome position (GRCh38, 1-based): chr2:202,555,745, A>G. VCF-style: chr2-202555745-A-G. GRCh37 (hg19) VCF-style: chr2-203420468-A-G.
Other names: short protein forms S694G.
Identifiers: ClinVar variation 4214456 (VCV004214456.1).
Genomic context (GRCh38, chr2:202,555,745, plus strand): 5'-GATAAGAACCTCAAGGAAAGCTCTGATGAGAATCTCATGGAGCACTCTCTTAAACAGTTC[A>G]GTGGCCCAGACCCACTGAGCAGTACTAGTTCTAGCTTGCTTTACCCACTCATAAAACTTG-3'
Protein context (NP_001195.2, residues 684-704): NLMEHSLKQF[Ser694Gly]GPDPLSSTSS

ClinVar aggregate classification (germline): Uncertain significance (1 of 4 stars; one submission).

Conditions:
Inborn genetic diseases. Identifiers: MedGen C0950123, MeSH D030342.

gnomAD v4.1: 1 of 1,614,192 alleles (0.000062%); highest among the groups gnomAD compares: Non-Finnish European, 0.000085%; no homozygotes.

Submission:

Ambry Genetics
Classification: Uncertain significance for Inborn genetic diseases. Last evaluated: 2025-07-18. Review status: criteria provided, single submitter. Criteria: Ambry Variant Classification Scheme 2023. Collection method: clinical testing. Allele origin: germline.
Comment: The p.S694G variant (also known as c.2080A>G), located in coding exon 12 of the BMPR2 gene, results from an A to G substitution at nucleotide position 2080. The serine at codon 694 is replaced by glycine, an amino acid with similar properties. This amino acid position is conserved. In addition, the in silico prediction for this alteration is inconclusive. Based on the available evidence, the clinical significance of this variant remains unclear.